The following is an entry in ClinVar:

ClinVar aggregate classification (germline): Uncertain significance (1 of 4 stars; one submission).

Conditions:
Immunodeficiency 14 (IMD14A). Also called: IMMUNODEFICIENCY 14A WITH LYMPHOPROLIFERATION, AUTOSOMAL DOMINANT; p110-DELTA-ACTIVATING MUTATION CAUSING SENESCENT T CELLS, LYMPHADENOPATHY, AND IMMUNODEFICIENCY; ACTIVATED PI3K-DELTA SYNDROME 1; Activated PI3K Delta Syndrome Type 1 (APDS1). Identifiers: Orphanet 397596, Orphanet 693661, MedGen C5907821, MONDO:0014222, OMIM 615513.

gnomAD v4.1: 7 of 1,613,708 alleles (0.00043%); highest among the groups gnomAD compares: South Asian, 0.0022%; no homozygotes.

Submission:

Labcorp Genetics (formerly Invitae), Labcorp
Classification: Uncertain significance for Activated PI3K-delta syndrome. Last evaluated: 2024-10-17. Review status: criteria provided, single submitter. Criteria: Invitae Variant Classification Sherloc (09022015). Collection method: clinical testing. Allele origin: germline.
Comment: This sequence change replaces arginine, which is basic and polar, with histidine, which is basic and polar, at codon 38 of the PIK3CD protein (p.Arg38His). This variant is present in population databases (rs761349863, gnomAD 0.003%). This variant has not been reported in the literature in individuals affected with PIK3CD-related conditions. Invitae Evidence Modeling of protein sequence and biophysical properties (such as structural, functional, and spatial information, amino acid conservation, physicochemical variation, residue mobility, and thermodynamic stability) indicates that this missense variant is not expected to disrupt PIK3CD protein function with a negative predictive value of 80%. In summary, the available evidence is currently insufficient to determine the role of this variant in disease. Therefore, it has been classified as a Variant of Uncertain Significance.

NM_005026.5(PIK3CD):c.113G>A (p.Arg38His)

Gene: PIK3CD (phosphatidylinositol-4,5-bisphosphate 3-kinase catalytic subunit delta; plus strand). Cytogenetic location: 1p36.22.
Variant type: single nucleotide variant.
Coding change: c.113G>A on transcript NM_005026.5 (MANE Select); coding-DNA position 113, G replaced by A.
Protein change: p.Arg38His; replaces arginine 38 with histidine.
Molecular consequence: missense variant.
Genome position (GRCh38, 1-based): chr1:9,710,568, G>A. VCF-style: chr1-9710568-G-A. GRCh37 (hg19) VCF-style: chr1-9770626-G-A.
Other names: c.113G>A, p.Arg38His (NM_001350234.2, NM_001350235.1); short protein forms R38H.
Identifiers: ClinVar variation 3701936 (VCV003701936.2).